The following is an entry in ClinVar:

NM_001323289.2(CDKL5):c.551T>A (p.Leu184His)

Gene: CDKL5 (cyclin dependent kinase like 5; plus strand). Cytogenetic location: Xp22.13.
Variant type: single nucleotide variant.
Coding change: c.551T>A on transcript NM_001323289.2 (MANE Select); coding-DNA position 551, T replaced by A.
Protein change: p.Leu184His; replaces leucine 184 with histidine.
Molecular consequence: missense variant.
Genome position (GRCh38, 1-based): chrX:18,584,350, T>A. VCF-style: chrX-18584350-T-A. GRCh37 (hg19) VCF-style: chrX-18602470-T-A.
Other names: NM_003159.3:c.551T>A; c.551T>A, p.Leu184His (NM_001037343.2, NM_003159.3); short protein forms L184H.
Identifiers: ClinVar variation 3602045 (VCV003602045.1).

ClinVar aggregate classification (germline): Uncertain significance (1 of 4 stars; one submission).

Conditions:
CDKL5 disorder. Identifiers: MedGen CN296942, MONDO:0100039.

Submission:

Centre for Population Genomics, CPG
Classification: Uncertain significance for CDKL5 disorder. Last evaluated: 2024-12-23. Review status: criteria provided, single submitter. Criteria: McKnight et al. (Hum Mutat. 2022). Collection method: curation. Allele origin: germline. Inheritance: X-linked inheritance.
Comment: This variant has been collected from RettBASE and curated to current modified ACMG/AMP criteria. Based on the classification scheme defined by the ClinGen Rett/Angelman-like Expert Panel for Rett/AS-like Disorders Specifications to the ACMG/AMP Variant Interpretation Guidelines VCEP 3.0, this variant is classified as variant of uncertain signfiicance. At least the following criteria are met: This variant has been identified as a de novo occurrence in an individual with CDKL5 disorder without confirmation of paternity and maternity (PM6, PMID: 38874638). Has been observed in at least 2 individuals with phenotypes consistent with CDKL5 disorder (PS4_Supporting, PMID: 35795805, PMID: 38874638). Computational prediction analysis tools suggests a deleterious impact (REVEL score>= 0.75) (PP3). This variant is absent from gnomAD (PM2_Supporting).